The following is an entry in ClinVar:

ClinVar aggregate classification (germline): Benign. Review status: criteria provided, single submitter (1 of 4 stars). 2 submissions from 2 submitters: Benign (1). 1 of the submissions does not count toward it. Last evaluated 2019-12-31.

Conditions:
UBR4-related disorder. Also called: UBR4-related condition.

Allele frequency attached by ClinVar (database versions not stated): gnomAD exomes 0.00095 and 0.00240; ExAC 0.00308; gnomAD 0.01031 and 0.01114; ESP Exome Variant Server 0.01076; TOPMed 0.01150; 1000 Genomes Project 0.01158; 1000 Genomes Project 30x 0.01202.
gnomAD v4.1: 3,039 of 1,611,572 alleles (0.19%); highest among the groups gnomAD compares: African/African-American, 3.6%; 48 homozygotes.

Submissions (2):

Labcorp Genetics (formerly Invitae), Labcorp
Classification: Benign. Last evaluated: 2019-12-31. Review status: criteria provided, single submitter. Criteria: Invitae Variant Classification Sherloc (09022015). Collection method: clinical testing. Allele origin: germline.

PreventionGenetics, part of Exact Sciences
Classification: Benign for UBR4-related condition. Last evaluated: 2019-04-01. Review status: no assertion criteria provided. Collection method: clinical testing. Allele origin: germline. Not counted in ClinVar's aggregate classification.
Comment: This variant is classified as benign based on ACMG/AMP sequence variant interpretation guidelines (Richards et al. 2015 PMID: 25741868, with internal and published modifications).

NM_020765.3(UBR4):c.4211+10G>A

Gene: UBR4 (ubiquitin protein ligase E3 component n-recognin 4; minus strand). Cytogenetic location: 1p36.13.
Variant type: single nucleotide variant.
Coding change: c.4211+10G>A on transcript NM_020765.3 (MANE Select); 10 bases into the intron after coding-DNA position 4211, G replaced by A.
Molecular consequence: intron variant.
Genome position (GRCh38, 1-based): chr1:19,165,646, C>T on the plus strand (G>A on the coding strand, the complement: UBR4 is on the minus strand). VCF-style: chr1-19165646-C-T. GRCh37 (hg19) VCF-style: chr1-19492140-C-T.
Identifiers: ClinVar variation 728384 (VCV000728384.6), dbSNP rs74056771, ClinGen allele CA650901.
Genomic context (GRCh38, chr1:19,165,646, plus strand): 5'-ACATATATAGCTCCTTGCTTTCAAGAGGCATTCAAAAAATATTCACTGAATAAAGCAAAA[C>T]ACGGCTCACCTGTCAGAGAAAAACTCCTCCATAGCTTTACGAGCCTGGCTACTTTCCAGC-3'